The following is an entry in ClinVar:

NM_002291.3(LAMB1):c.1963G>A (p.Val655Met)

Gene: LAMB1 (laminin subunit beta 1; minus strand). Cytogenetic location: 7q31.1.
Variant type: single nucleotide variant.
Coding change: c.1963G>A on transcript NM_002291.3 (MANE Select); coding-DNA position 1963, G replaced by A.
Protein change: p.Val655Met; replaces valine 655 with methionine.
Molecular consequence: missense variant.
Genome position (GRCh38, 1-based): chr7:107,961,571, C>T on the plus strand (G>A on the coding strand, the complement: LAMB1 is on the minus strand). VCF-style: chr7-107961571-C-T. GRCh37 (hg19) VCF-style: chr7-107602016-C-T.
Other names: short protein forms V655M.
Identifiers: ClinVar variation 2192904 (VCV002192904.1), dbSNP rs773053269, ClinGen allele CA4435817.

ClinVar aggregate classification (germline): Uncertain significance (1 of 4 stars; one submission).

Allele frequency attached by ClinVar (database versions not stated): gnomAD 0.00001; TOPMed 0.00002; ExAC 0.00010.
gnomAD v4.1: 24 of 1,613,796 alleles (0.0015%); highest among the groups gnomAD compares: Admixed American, 0.0033%; no homozygotes.

Submission:

Labcorp Genetics (formerly Invitae), Labcorp
Classification: Uncertain significance. Last evaluated: 2022-03-23. Review status: criteria provided, single submitter. Criteria: Invitae Variant Classification Sherloc (09022015). Collection method: clinical testing. Allele origin: germline.
Comment: This sequence change replaces valine, which is neutral and non-polar, with methionine, which is neutral and non-polar, at codon 655 of the LAMB1 protein (p.Val655Met). This variant is present in population databases (rs773053269, gnomAD 0.01%). This variant has not been reported in the literature in individuals affected with LAMB1-related conditions. Algorithms developed to predict the effect of missense changes on protein structure and function are either unavailable or do not agree on the potential impact of this missense change (SIFT: "Deleterious"; PolyPhen-2: "Probably Damaging"; Align-GVGD: "Class C15"). Algorithms developed to predict the effect of sequence changes on RNA splicing suggest that this variant may create or strengthen a splice site. In summary, the available evidence is currently insufficient to determine the role of this variant in disease. Therefore, it has been classified as a Variant of Uncertain Significance.